The following is an entry in ClinVar:

ClinVar aggregate classification (germline): Likely pathogenic (1 of 4 stars; one submission).

Conditions:
Holoprosencephaly 3 (HPE3). Identifiers: Orphanet 2162, MedGen C1840529, MONDO:0007733, OMIM 142945.

Submission:

Laboratory of Molecular Genetics, CHU Rennes
Classification: Likely pathogenic for Holoprosencephaly 3. Last evaluated: 2025-02-27. Review status: criteria provided, single submitter. Criteria: ACMG Guidelines, 2015. Collection method: clinical testing. Allele origin: paternal. Inheritance: Oligogenic inheritance. Affected: yes.
Comment: The NM_000193.4:c.674T>C, is a missense variant in SHH in the Hint domain (PM1), absent from controls (PM2), predicted pathogenic by prediction tools (PP3).

NM_000193.4(SHH):c.674T>C (p.Leu225Pro)

Gene: SHH (sonic hedgehog signaling molecule; minus strand). Cytogenetic location: 7q36.3.
Variant type: single nucleotide variant.
Coding change: c.674T>C on transcript NM_000193.4 (MANE Select); coding-DNA position 674, T replaced by C.
Protein change: p.Leu225Pro; replaces leucine 225 with proline.
Molecular consequence: missense variant. On other transcripts: intron variant (1).
Genome position (GRCh38, 1-based): chr7:155,803,615, A>G on the plus strand (T>C on the coding strand, the complement: SHH is on the minus strand). VCF-style: chr7-155803615-A-G. GRCh37 (hg19) VCF-style: chr7-155596309-A-G.
Other names: c.301+2681T>C (NM_001310462.2); short protein forms L225P.
Identifiers: ClinVar variation 3775151 (VCV003775151.1).